The following is an entry in ClinVar:

NM_002519.3(NPAT):c.455C>T (p.Ser152Phe)

Gene: NPAT (nuclear protein, coactivator of histone transcription; minus strand). Cytogenetic location: 11q22.3.
Variant type: single nucleotide variant.
Coding change: c.455C>T on transcript NM_002519.3 (MANE Select); coding-DNA position 455, C replaced by T.
Protein change: p.Ser152Phe; replaces serine 152 with phenylalanine.
Molecular consequence: missense variant.
Genome position (GRCh38, 1-based): chr11:108,189,207, G>A on the plus strand (C>T on the coding strand, the complement: NPAT is on the minus strand). VCF-style: chr11-108189207-G-A. GRCh37 (hg19) VCF-style: chr11-108059934-G-A.
Other names: c.455C>T, p.Ser152Phe (NM_001321307.1); short protein forms S152F.
Identifiers: ClinVar variation 1741482 (VCV001741482.2), dbSNP rs2496745594, ClinGen allele CA382524662.

ClinVar aggregate classification (germline): Uncertain significance (1 of 4 stars; one submission).

Allele frequency attached by ClinVar (database versions not stated): gnomAD exomes below 0.00001.
gnomAD v4.1: 1 of 1,614,180 alleles (0.000062%); highest among the groups gnomAD compares: South Asian, 0.0011%; no homozygotes.

Submission:

Ambry Genetics
Classification: Uncertain significance. Last evaluated: 2022-05-16. Review status: criteria provided, single submitter. Criteria: Ambry Variant Classification Scheme 2023. Collection method: clinical testing. Allele origin: germline.
Comment: The p.S152F variant (also known as c.455C>T), located in coding exon 6 of the NPAT gene, results from a C to T substitution at nucleotide position 455. The serine at codon 152 is replaced by phenylalanine, an amino acid with highly dissimilar properties. This amino acid position is conserved. In addition, this alteration is predicted to be tolerated by in silico analysis. Since supporting evidence is limited at this time, the clinical significance of this alteration remains unclear.